The following is an entry in ClinVar:

ClinVar aggregate classification (germline): Uncertain significance. Review status: criteria provided, multiple submitters, no conflicts (2 of 4 stars). 2 submissions from 2 submitters: Uncertain significance (2). Last evaluated 2026-02-01.

Conditions:
Inborn genetic diseases. Identifiers: MedGen C0950123, MeSH D030342.

gnomAD v4.1: 61 of 1,614,068 alleles (0.0038%); highest among the groups gnomAD compares: Non-Finnish European, 0.0048%; no homozygotes.

Submissions (2):

CeGaT Center for Human Genetics Tuebingen
Classification: Uncertain significance. Last evaluated: 2026-02-01. Review status: criteria provided, single submitter. Criteria: CeGaT Center For Human Genetics Tuebingen Variant Classification Criteria Version 2. Collection method: clinical testing. Allele origin: germline. Affected: yes. Observed: 1 variant allele.
Comment: ATP2B1: PP2

Ambry Genetics
Classification: Uncertain significance for Inborn genetic diseases. Last evaluated: 2024-08-19. Review status: criteria provided, single submitter. Criteria: Ambry Variant Classification Scheme 2023. Collection method: clinical testing. Allele origin: germline.

NM_001366521.1(ATP2B1):c.1231A>G (p.Ile411Val)

Gene: ATP2B1 (ATPase plasma membrane Ca2+ transporting 1; minus strand). Cytogenetic location: 12q21.33.
Variant type: single nucleotide variant.
Coding change: c.1231A>G on transcript NM_001366521.1 (MANE Select); coding-DNA position 1231, A replaced by G.
Protein change: p.Ile411Val; replaces isoleucine 411 with valine.
Molecular consequence: missense variant. On other transcripts: non-coding transcript variant (3).
Genome position (GRCh38, 1-based): chr12:89,624,296, T>C on the plus strand (A>G on the coding strand, the complement: ATP2B1 is on the minus strand). VCF-style: chr12-89624296-T-C. GRCh37 (hg19) VCF-style: chr12-90018073-T-C.
Other names: c.1231A>G, p.Ile411Val (NM_001001323.2, NM_001366520.1, NM_001366522.1 and 13 more transcripts); c.1033A>G, p.Ile345Val (NM_001366530.1, NM_001413053.1); c.670A>G, p.Ile224Val (NM_001366531.1, NM_001366532.1, NM_001413058.1 and 2 more transcripts); c.1192A>G, p.Ile398Val (NM_001413048.1); c.1090A>G, p.Ile364Val (NM_001413051.1, NM_001413052.1, NM_001413055.1); c.976A>G, p.Ile326Val (NM_001413056.1); c.778A>G, p.Ile260Val (NM_001413057.1); short protein forms I411V, I326V, I345V, I398V, I224V, I260V, I364V.
Identifiers: ClinVar variation 3456610 (VCV003456610.5).